The following is an entry in ClinVar:

NM_007129.5(ZIC2):c.885G>A (p.Pro295=)

Gene: ZIC2 (Zic family zinc finger 2; plus strand). Cytogenetic location: 13q32.3.
Variant type: single nucleotide variant.
Coding change: c.885G>A on transcript NM_007129.5 (MANE Select); coding-DNA position 885, G replaced by A.
Protein change: p.Pro295=; no amino-acid change (proline 295 retained).
Molecular consequence: synonymous variant.
Genome position (GRCh38, 1-based): chr13:99,982,949, G>A. VCF-style: chr13-99982949-G-A. GRCh37 (hg19) VCF-style: chr13-100635203-G-A.
Identifiers: ClinVar variation 1665567 (VCV001665567.13), dbSNP rs779344309, ClinGen allele CA7032866.

ClinVar aggregate classification (germline): Likely benign. Review status: criteria provided, multiple submitters, no conflicts (2 of 4 stars). 3 submissions from 3 submitters: Likely benign (3). Last evaluated 2026-03-01.

Conditions:
Holoprosencephaly 5 (HPE5). Identifiers: Orphanet 2162, MedGen C1864827, MONDO:0012322, OMIM 609637.

Allele frequency attached by ClinVar (database versions not stated): gnomAD exomes 0.00003 and 0.00005; gnomAD 0.00004; ExAC 0.00005.

Submissions (3):

CeGaT Center for Human Genetics Tuebingen
Classification: Likely benign. Last evaluated: 2026-03-01. Review status: criteria provided, single submitter. Criteria: CeGaT Center For Human Genetics Tuebingen Variant Classification Criteria Version 2. Collection method: clinical testing. Allele origin: germline. Affected: yes. Observed: 1 variant allele.
Comment: ZIC2: BP4, BP7

Labcorp Genetics (formerly Invitae), Labcorp
Classification: Likely benign for Holoprosencephaly 5. Last evaluated: 2024-10-23. Review status: criteria provided, single submitter. Criteria: Invitae Variant Classification Sherloc (09022015). Collection method: clinical testing. Allele origin: germline.

Blueprint Genetics
Classification: Likely benign. Last evaluated: 2022-10-10. Review status: criteria provided, single submitter. Criteria: ACMG Guidelines, 2015. Collection method: clinical testing. Allele origin: germline.